The following is an entry in ClinVar:

ClinVar aggregate classification (germline): Pathogenic/Likely pathogenic. Review status: criteria provided, multiple submitters, no conflicts (2 of 4 stars). 9 submissions from 9 submitters: Pathogenic (7); Likely pathogenic (1). 1 of the submissions does not count toward it. Last evaluated 2025-10-01.

Conditions:
Early-infantile DEE. Also called: Ohtahara syndrome; Early infantile epileptic encephalopathy with suppression bursts; Early infantile epileptic encephalopathy. Identifiers: Orphanet 1934, MedGen C0393706, MONDO:0800491.
Severe myoclonic epilepsy in infancy (DRVT). Also called: SEVERE MYOCLONIC EPILEPSY OF INFANCY; DEVELOPMENTAL AND EPILEPTIC ENCEPHALOPATHY 6A; Severe Myoclonic Epilepsy in Infancy (SMEI); Dravet syndrome; Epileptic encephalopathy, early infantile, 6 (Dravet syndrome). Identifiers: Orphanet 33069, MedGen C0751122, MONDO:0100135, OMIM 607208.

Submissions (9):

CeGaT Center for Human Genetics Tuebingen
Classification: Pathogenic. Last evaluated: 2025-10-01. Review status: criteria provided, single submitter. Criteria: CeGaT Center For Human Genetics Tuebingen Variant Classification Criteria Version 2. Collection method: clinical testing. Allele origin: germline. Affected: yes. Observed: 3 variant alleles.
Comment: SCN1A: PVS1, PM2, PM6, PS4:Moderate

Labcorp Genetics (formerly Invitae), Labcorp
Classification: Pathogenic for Early-infantile DEE. Last evaluated: 2025-08-20. Review status: criteria provided, single submitter. Criteria: Invitae Variant Classification Sherloc (09022015). Collection method: clinical testing. Allele origin: germline.
Comment: This sequence change creates a premature translational stop signal (p.Arg862*) in the SCN1A gene. It is expected to result in an absent or disrupted protein product. Loss-of-function variants in SCN1A are known to be pathogenic (PMID: 17347258, 18930999). This variant is not present in population databases (gnomAD no frequency). This premature translational stop signal has been observed in individual(s) with SCN1A-related conditions (PMID: 19522081, 29056246). ClinVar contains an entry for this variant (Variation ID: 189857). Algorithms developed to predict the effect of sequence changes on RNA splicing suggest that this variant may disrupt the consensus splice site. For these reasons, this variant has been classified as Pathogenic.

3billion
Classification: Pathogenic for Severe myoclonic epilepsy in infancy. Last evaluated: 2024-09-12. Review status: criteria provided, single submitter. Criteria: ACMG Guidelines, 2015. Collection method: clinical testing. Allele origin: germline. Affected: yes.
Comment: The variant is not observed in the gnomAD v4.0.0 dataset. Predicted Consequence/Location: Stop-gained (nonsense): predicted to result in a loss or disruption of normal protein function through nonsense-mediated decay (NMD) or protein truncation. Multiple pathogenic variants are reported downstream of the variant. The variant has been reported at least twice as pathogenic with clinical assertions and evidence for the classification (ClinVar ID: VCV000189857 /PMID: 19522081). Therefore, this variant is classified as Pathogenic according to the recommendation of ACMG/AMP guideline.

Unidad de Genómica Garrahan, Hospital de Pediatría Garrahan
Classification: Likely pathogenic for Severe myoclonic epilepsy in infancy. Last evaluated: 2023-01-01. Review status: criteria provided, single submitter. Criteria: ACMG Guidelines, 2015. Collection method: clinical testing. Allele origin: germline. Affected: yes. Observed: 1 variant allele.

Mayo Clinic Laboratories, Mayo Clinic
Classification: Pathogenic. Last evaluated: 2021-07-21. Review status: criteria provided, single submitter. Criteria: ACMG Guidelines, 2015. Collection method: clinical testing. Allele origin: germline.
Comment: PM2, PS4_moderate, PVS1

Center for Bioinformatics, Peking University
Classification: Pathogenic for Dravet syndrome. Last evaluated: 2014-12-20. Review status: criteria provided, single submitter. Criteria: Xu et al. (Hum Mutat. 2015). Collection method: research. Allele origin: de novo. Affected: yes. Observed: 1 variant allele. Study: University Clinical Cooperation “985 Project” PKU-2014-1-1.
Comment: Dravet syndrome (DS) probands were recruited from the outpatient and inpatient child neurology units of Peking University First Hospital from 2005 till present. The study was approved by the Ethics Committee of Peking University First Hospital and the Institutional Review Board at Peking University. Participants or their parents provided written informed consent before enrollment. We collected a total of 267 mutations from 255 families with probands diagnosed with DS in China. All probands fulfilled the clinical diagnostic criteria.

Eurofins Ntd Llc (ga)
Classification: Pathogenic. Last evaluated: 2014-05-19. Review status: criteria provided, single submitter. Criteria: EGL Classification Definitions 2015. Collection method: clinical testing. Allele origin: germline. Observed: 1 variant allele, 1 heterozygote.

Neuberg Centre For Genomic Medicine, NCGM
Classification: Pathogenic for Severe myoclonic epilepsy in infancy. Review status: criteria provided, single submitter. Criteria: ACMG Guidelines, 2015. Collection method: clinical testing. Allele origin: germline. Affected: yes.
Comment: The stop gained p.R862* in SCN1A (NM_001165963.4) has been reported previously in individuals affected with Idiopathic childhood epilepsies (Orrico et al, 2009). The p.R862* variant is novel (not in any individuals) in gnomAD Exomes and is novel (not in any individuals) in 1000 Genomes. This variant is predicted to cause loss of normal protein function through protein truncation. The p.R862* variant is a loss of function variant in the gene SCN1A, which is intolerant of Loss of Function variants. The nucleotide change in SCN1A is predicted as conserved by GERP++ and PhyloP across 100 vertebrates. For these reasons, this variant has been classified as Pathogenic.

Genetics and Genomic Medicine Centre, NeuroGen Healthcare, NeuroGen Healthcare
Classification: Pathogenic. Last evaluated: 2023-04-23. Review status: no assertion criteria provided. Collection method: clinical testing. Allele origin: unknown. Affected: yes. Not counted in ClinVar's aggregate classification.

Literature cited by the submitters: PubMed 17347258 (cited by Labcorp Genetics (formerly Invitae), Labcorp); PubMed 18930999 (cited by Labcorp Genetics (formerly Invitae), Labcorp); PubMed 19522081 (cited by 4 submitters); PubMed 29056246 (cited by Labcorp Genetics (formerly Invitae), Labcorp and Mayo Clinic Laboratories, Mayo Clinic); DOI 10.1055/s-0044-1786365 (cited by Unidad de Genómica Garrahan, Hospital de Pediatría Garrahan); PubMed 23195492 (cited by Mayo Clinic Laboratories, Mayo Clinic); PubMed 24168886 (cited by Mayo Clinic Laboratories, Mayo Clinic); PubMed 25459968 (cited by Mayo Clinic Laboratories, Mayo Clinic); PubMed 27197941 (cited by Mayo Clinic Laboratories, Mayo Clinic).

NM_001165963.4(SCN1A):c.2584C>T (p.Arg862Ter)

Gene: SCN1A (sodium voltage-gated channel alpha subunit 1; minus strand). Cytogenetic location: 2q24.3.
Variant type: single nucleotide variant.
Coding change: c.2584C>T on transcript NM_001165963.4 (MANE Select); coding-DNA position 2584, C replaced by T.
Protein change: p.Arg862Ter; replaces arginine 862 with a stop codon.
Molecular consequence: nonsense. On other transcripts: non-coding transcript variant (1).
Genome position (GRCh38, 1-based): chr2:166,039,428, G>A on the plus strand (C>T on the coding strand, the complement: SCN1A is on the minus strand). VCF-style: chr2-166039428-G-A. GRCh37 (hg19) VCF-style: chr2-166895938-G-A.
Other names: p.Arg862*; NP_001159435.1:p.(Arg862Ter); c.2500C>T, p.Arg834Ter (NM_001165964.3, NM_001353957.2, NM_001353958.2); c.2584C>T, p.Arg862Ter (NM_001202435.3, NM_001353948.2); c.2551C>T, p.Arg851Ter (NM_001353949.2, NM_001353950.2, NM_001353951.2 and 2 more transcripts); c.2548C>T, p.Arg850Ter (NM_001353954.2, NM_001353955.2); c.2497C>T, p.Arg833Ter (NM_001353960.2); c.142C>T, p.Arg48Ter (NM_001353961.2); short protein forms R851*, R862*, R833*, R834*, R850*, R48*.
Identifiers: ClinVar variation 189857 (VCV000189857.54), dbSNP rs397514459, ClinGen allele CA275003.